The following is an entry in ClinVar:

ClinVar aggregate classification (germline): Pathogenic (1 of 4 stars; one submission).

Submission:

ISCA Site 6
Classification: Pathogenic. Last evaluated: 2011-08-12. Review status: criteria provided, single submitter. Criteria: Kaminsky et al. (Genet Med. 2011). Collection method: clinical testing. Allele origin: unknown. Affected: yes. Observed: 1 variant allele.
Comment: Copy number variation identified through the course of routine clinical cytogenomic testing in postnatal populations. Clinical assertions have been curated as described in Kaminsky et al. 2011.

GRCh38/hg38 22q11.21(chr22:18339130-20641963)x1

Genes: MED15 (mediator complex subunit 15; plus strand), MIR1286 (microRNA 1286; minus strand), MIR1306 (microRNA 1306; plus strand), MIR185 (microRNA 185; plus strand), MIR3618 (microRNA 3618; plus strand) and 145 more. Cytogenetic location: 22q11.21.
Variant type: copy number loss.
Change: copy number 1 (one copy instead of two) of chr22:18,339,130-20,641,963 (2.30 Mb, GRCh38 coordinates, 1-based), cytogenetic band 22q11.21.
Identifiers: ClinVar variation 59209 (VCV000059209.2).